The following is an entry in ClinVar:

NM_004183.4(BEST1):c.294G>C (p.Glu98Asp)

Gene: BEST1 (bestrophin 1; plus strand). Cytogenetic location: 11q12.3.
Variant type: single nucleotide variant.
Coding change: c.294G>C on transcript NM_004183.4 (MANE Select); coding-DNA position 294, G replaced by C.
Protein change: p.Glu98Asp; replaces glutamic acid 98 with aspartic acid.
Molecular consequence: missense variant. On other transcripts: non-coding transcript variant (1).
Genome position (GRCh38, 1-based): chr11:61,955,764, G>C. VCF-style: chr11-61955764-G-C. GRCh37 (hg19) VCF-style: chr11-61723236-G-C.
Other names: c.114G>C, p.Glu38Asp (NM_001139443.3, NM_001300786.2, NM_001300787.2); c.-25G>C (NM_001363591.3); c.294G>C, p.Glu98Asp (NM_001363592.2); c.-882G>C (NM_001363593.3); short protein forms E38D, E98D.
Identifiers: ClinVar variation 812230 (VCV000812230.8), dbSNP rs1591283793, ClinGen allele CA380834129.

ClinVar aggregate classification (germline): Pathogenic. Review status: criteria provided, single submitter (1 of 4 stars). 2 submissions from 2 submitters: Pathogenic (1). 1 of the submissions does not count toward it. Last evaluated 2022-11-29.

Conditions:
Vitelliform macular dystrophy 2. Also called: Best vitelliform macular dystrophy, multifocal; Best Macular Dystrophy; Best Vitelliform Macular Dystrophy (BVMD); MACULAR DEGENERATION, POLYMORPHIC VITELLINE; VITELLIFORM MACULAR DYSTROPHY, EARLY-ONSET; VITELLIFORM MACULAR DYSTROPHY, JUVENILE-ONSET. Identifiers: Orphanet 1243, MedGen C2745945, MONDO:0007931, OMIM 153700.

Submissions (2):

Labcorp Genetics (formerly Invitae), Labcorp
Classification: Pathogenic. Last evaluated: 2022-11-29. Review status: criteria provided, single submitter. Criteria: Invitae Variant Classification Sherloc (09022015). Collection method: clinical testing. Allele origin: germline.
Comment: For these reasons, this variant has been classified as Pathogenic. This variant disrupts the p.Glu98 amino acid residue in BEST1. Other variant(s) that disrupt this residue have been determined to be pathogenic (PMID: 28791410, 30880907; Invitae). This suggests that this residue is clinically significant, and that variants that disrupt this residue are likely to be disease-causing. Advanced modeling of protein sequence and biophysical properties (such as structural, functional, and spatial information, amino acid conservation, physicochemical variation, residue mobility, and thermodynamic stability) performed at Invitae indicates that this missense variant is expected to disrupt BEST1 protein function. ClinVar contains an entry for this variant (Variation ID: 812230). This missense change has been observed in individuals with autosomal dominant Best vitelliform macular dystrophy (PMID: 30880907, 31456290; Invitae). This variant is not present in population databases (gnomAD no frequency). This sequence change replaces glutamic acid, which is acidic and polar, with aspartic acid, which is acidic and polar, at codon 98 of the BEST1 protein (p.Glu98Asp).

Sharon lab, Hadassah-Hebrew University Medical Center
Classification: Pathogenic for Best disease. Last evaluated: 2019-06-23. Review status: no assertion criteria provided. Collection method: research. Allele origin: inherited. Affected: yes. Not counted in ClinVar's aggregate classification.

Literature cited by the submitters: PubMed 28791410 (cited by Labcorp Genetics (formerly Invitae), Labcorp); PubMed 30880907 (cited by Labcorp Genetics (formerly Invitae), Labcorp); PubMed 31456290 (cited by Labcorp Genetics (formerly Invitae), Labcorp).